The following is an entry in ClinVar:

NM_003361.4(UMOD):c.1870A>G (p.Lys624Glu)

Gene: UMOD (uromodulin; minus strand). Cytogenetic location: 16p12.3.
Variant type: single nucleotide variant.
Coding change: c.1870A>G on transcript NM_003361.4 (MANE Select); coding-DNA position 1870, A replaced by G.
Protein change: p.Lys624Glu; replaces lysine 624 with glutamic acid.
Molecular consequence: missense variant. On other transcripts: non-coding transcript variant (1).
Genome position (GRCh38, 1-based): chr16:20,333,367, T>C on the plus strand (A>G on the coding strand, the complement: UMOD is on the minus strand). VCF-style: chr16-20333367-T-C. GRCh37 (hg19) VCF-style: chr16-20344689-T-C.
Other names: c.1870A>G, p.Lys624Glu (NM_001008389.3, NM_001378232.1, NM_001378233.1); c.1969A>G, p.Lys657Glu (NM_001278614.2); c.2011A>G, p.Lys671Glu (NM_001378234.1, NM_001378235.1); c.1870A>G (NM_003361.2); short protein forms K624E, K671E, K657E.
Identifiers: ClinVar variation 2963406 (VCV002963406.4), dbSNP rs1369368692, ClinGen allele CA394979814.

ClinVar aggregate classification (germline): Uncertain significance. Review status: criteria provided, multiple submitters, no conflicts (2 of 4 stars). 2 submissions from 2 submitters: Uncertain significance (2). Last evaluated 2024-08-12.

Conditions:
Inborn genetic diseases. Identifiers: MedGen C0950123, MeSH D030342.

Allele frequency attached by ClinVar (database versions not stated): gnomAD exomes below 0.00001; gnomAD 0.00001; TOPMed 0.00001.
gnomAD v4.1: 2 of 1,612,552 alleles (0.00012%); highest among the groups gnomAD compares: Admixed American, 0.0033%; no homozygotes.

Submissions (2):

Ambry Genetics
Classification: Uncertain significance for Inborn genetic diseases. Last evaluated: 2024-08-12. Review status: criteria provided, single submitter. Criteria: Ambry Variant Classification Scheme 2023. Collection method: clinical testing. Allele origin: germline.

Labcorp Genetics (formerly Invitae), Labcorp
Classification: Uncertain significance. Last evaluated: 2023-07-08. Review status: criteria provided, single submitter. Criteria: Invitae Variant Classification Sherloc (09022015). Collection method: clinical testing. Allele origin: germline.
Comment: This variant is present in population databases (no rsID available, gnomAD 0.003%). In summary, the available evidence is currently insufficient to determine the role of this variant in disease. Therefore, it has been classified as a Variant of Uncertain Significance. Advanced modeling of protein sequence and biophysical properties (such as structural, functional, and spatial information, amino acid conservation, physicochemical variation, residue mobility, and thermodynamic stability) performed at Invitae indicates that this missense variant is not expected to disrupt UMOD protein function. This variant has not been reported in the literature in individuals affected with UMOD-related conditions. This sequence change replaces lysine, which is basic and polar, with glutamic acid, which is acidic and polar, at codon 624 of the UMOD protein (p.Lys624Glu).